The following is an entry in ClinVar:

NM_133433.4(NIPBL):c.2758A>G (p.Arg920Gly)

Gene: NIPBL (NIPBL cohesin loading factor; plus strand). Cytogenetic location: 5p13.2.
Variant type: single nucleotide variant.
Coding change: c.2758A>G on transcript NM_133433.4 (MANE Select); coding-DNA position 2758, A replaced by G.
Protein change: p.Arg920Gly; replaces arginine 920 with glycine.
Molecular consequence: missense variant.
Genome position (GRCh38, 1-based): chr5:36,985,938, A>G. VCF-style: chr5-36985938-A-G. GRCh37 (hg19) VCF-style: chr5-36986040-A-G.
Other names: c.2758A>G, p.Arg920Gly (NM_001438586.1, NM_015384.5); short protein forms R920G.
Identifiers: ClinVar variation 4747949 (VCV004747949.1).

ClinVar aggregate classification (germline): Uncertain significance (1 of 4 stars; one submission).

Conditions:
Cornelia de Lange syndrome 1 (CDLS1). Also called: Brachmann de Lange syndrome; NIPBL-Related Cornelia de Lange Syndrome; TYPUS DEGENERATIVUS AMSTELODAMENSIS. Identifiers: Orphanet 199, MedGen C4551851, MONDO:0007387, OMIM 122470.

gnomAD v4.1: 16 of 1,613,902 alleles (0.00099%); no homozygotes.

Submission:

Labcorp Genetics (formerly Invitae), Labcorp
Classification: Uncertain significance for Cornelia de Lange syndrome 1. Last evaluated: 2025-12-03. Review status: criteria provided, single submitter. Criteria: Invitae Variant Classification Sherloc (09022015). Collection method: clinical testing. Allele origin: germline.
Comment: This sequence change replaces arginine, which is basic and polar, with glycine, which is neutral and non-polar, at codon 920 of the NIPBL protein (p.Arg920Gly). This variant is present in population databases (rs755271349, gnomAD 0.04%). This variant has not been reported in the literature in individuals affected with NIPBL-related conditions. Invitae Evidence Modeling of protein sequence and biophysical properties (such as structural, functional, and spatial information, amino acid conservation, physicochemical variation, residue mobility, and thermodynamic stability) has been performed for this missense variant. However, the output from this modeling did not meet the statistical confidence thresholds required to predict the impact of this variant on NIPBL protein function. In summary, the available evidence is currently insufficient to determine the role of this variant in disease. Therefore, it has been classified as a Variant of Uncertain Significance.